The following is an entry in ClinVar:

ClinVar aggregate classification (germline): Pathogenic. Review status: criteria provided, single submitter (1 of 4 stars). 2 submissions from 2 submitters: Pathogenic (1). 1 of the submissions does not count toward it. Last evaluated 2025-03-03.

Conditions:
Metaphyseal chondrodysplasia, McKusick type (CHH). Also called: Cartilage-Hair Hypoplasia (CHH); Cartilage-hair hypoplasia. Identifiers: Orphanet 175, MedGen C0220748, MONDO:0009595, OMIM 250250.
Anauxetic dysplasia. Identifiers: Orphanet 93347, MedGen C1846796, MONDO:0011773.

Submissions (2):

Labcorp Genetics (formerly Invitae), Labcorp
Classification: Pathogenic for Anauxetic dysplasia. Last evaluated: 2025-03-03. Review status: criteria provided, single submitter. Criteria: Invitae Variant Classification Sherloc (09022015). Collection method: clinical testing. Allele origin: germline.
Comment: This variant occurs in the RMRP gene, which encodes an RNA molecule that does not result in a protein product. This variant is not present in population databases (gnomAD no frequency). While this particular variant has not been reported in the literature, it is located in the promoter region between the TATA box and the transcription initiation site, and other insertions and duplications immediately upstream of the coding sequence have been reported in individuals affected with cartilage-hair hypoplasia-anauxetic dysplasia (CHH-AD) spectrum disorders (PMID: 16244706, 11207361, 12107819). While functional studies for this variant have not been reported, experimental analyses using patient derived cells, as well as in vitro transfection studies, have shown that promoter insertions result in silencing of RMRP transcription and reduced expression of the gene product (PMID: 11207361, 16254002). For these reasons, this variant has been classified as Pathogenic.

Counsyl
Classification: Likely pathogenic for Metaphyseal chondrodysplasia, McKusick type. Last evaluated: 2017-06-21. Review status: no assertion criteria provided. Collection method: clinical testing. Allele origin: unknown. Not counted in ClinVar's aggregate classification.

Literature cited by the submitters: PubMed 16244706 (cited by Labcorp Genetics (formerly Invitae), Labcorp); PubMed 11207361 (cited by Labcorp Genetics (formerly Invitae), Labcorp and Counsyl); PubMed 12107819 (cited by Labcorp Genetics (formerly Invitae), Labcorp); PubMed 16254002 (cited by Labcorp Genetics (formerly Invitae), Labcorp and Counsyl); PubMed 17937437 (cited by Counsyl); PubMed 14608646 (cited by Counsyl).

NC_000009.12:g.35658018_35658037dup

Gene: RMRP (RNA component of mitochondrial RNA processing endoribonuclease; minus strand). Cytogenetic location: 9p13.3.
Variant type: Duplication.
Genome position: GRCh38 VCF-style: chr9-35658017-C-CCACGTCCTCAGCTTCACAGA. GRCh37 (hg19) VCF-style: chr9-35658014-C-CCACGTCCTCAGCTTCACAGA.
Identifiers: ClinVar variation 552568 (VCV000552568.7), dbSNP rs1554651382, ClinGen allele CA658821592.
Genomic context (GRCh38, chr9:35,658,017, plus strand): 5'-CGGAAAGGGGAGGAACAGAGTCCTCAGTGTGTAGCCTAGGATACAGGCCTTCAGCACGAA[C>CCACGTCCTCAGCTTCACAGA]CACGTCCTCAGCTTCACAGAGTAGTATTTTATAGCCCTAAAGAAATTGTGTTTTATGATT-3'